The following is an entry in ClinVar:

NM_001165963.4(SCN1A):c.4847T>C (p.Ile1616Thr)

Genes: SCN1A (sodium voltage-gated channel alpha subunit 1; minus strand), LOC102724058 (uncharacterized LOC102724058; plus strand). Cytogenetic location: 2q24.3.
Variant type: single nucleotide variant.
Coding change: c.4847T>C on transcript NM_001165963.4 (MANE Select); coding-DNA position 4847, T replaced by C.
Protein change: p.Ile1616Thr; replaces isoleucine 1616 with threonine.
Molecular consequence: missense variant. On other transcripts: non-coding transcript variant (1).
Genome position (GRCh38, 1-based): chr2:165,994,151, A>G on the plus strand (T>C on the coding strand, the complement: SCN1A is on the minus strand). VCF-style: chr2-165994151-A-G. GRCh37 (hg19) VCF-style: chr2-166850661-A-G.
Other names: c.4763T>C, p.Ile1588Thr (NM_001165964.3, NM_001353957.2, NM_001353958.2); c.4847T>C, p.Ile1616Thr (NM_001202435.3, NM_001353948.2); c.4814T>C, p.Ile1605Thr (NM_001353949.2, NM_001353950.2, NM_001353951.2 and 2 more transcripts); c.4811T>C, p.Ile1604Thr (NM_001353954.2, NM_001353955.2); c.4760T>C, p.Ile1587Thr (NM_001353960.2); c.2405T>C, p.Ile802Thr (NM_001353961.2); c.4847T>C (NM_001165963.1); short protein forms I1587T, I1588T, I1604T, I1605T, I1616T, I802T.
Identifiers: ClinVar variation 1074453 (VCV001074453.13), dbSNP rs2105447247, ClinGen allele CA349071242.

ClinVar aggregate classification (germline): Pathogenic/Likely pathogenic. Review status: criteria provided, multiple submitters, no conflicts (2 of 4 stars). 2 submissions from 2 submitters: Pathogenic (1); Likely pathogenic (1). Last evaluated 2025-06-11.

Conditions:
Inborn genetic diseases. Identifiers: MedGen C0950123, MeSH D030342.
Early-infantile DEE. Also called: Ohtahara syndrome; Early infantile epileptic encephalopathy with suppression bursts; Early infantile epileptic encephalopathy. Identifiers: Orphanet 1934, MedGen C0393706, MONDO:0800491.

Submissions (2):

Labcorp Genetics (formerly Invitae), Labcorp
Classification: Pathogenic for Early-infantile DEE. Last evaluated: 2025-06-11. Review status: criteria provided, single submitter. Criteria: Invitae Variant Classification Sherloc (09022015). Collection method: clinical testing. Allele origin: germline.
Comment: This sequence change replaces isoleucine, which is neutral and non-polar, with threonine, which is neutral and polar, at codon 1616 of the SCN1A protein (p.Ile1616Thr). This variant is not present in population databases (gnomAD no frequency). This missense change has been observed in individuals with clinical features of SCN1A-related conditions (PMID: 18076640, 22151702). ClinVar contains an entry for this variant (Variation ID: 1074453). Invitae Evidence Modeling of protein sequence and biophysical properties (such as structural, functional, and spatial information, amino acid conservation, physicochemical variation, residue mobility, and thermodynamic stability) indicates that this missense variant is expected to disrupt SCN1A protein function with a positive predictive value of 95%. For these reasons, this variant has been classified as Pathogenic.

Ambry Genetics
Classification: Likely pathogenic for Inborn genetic diseases. Last evaluated: 2018-07-03. Review status: criteria provided, single submitter. Criteria: Ambry Variant Classification Scheme 2023. Collection method: clinical testing. Allele origin: germline.
Comment: The p.I1616T variant (also known as c.4847T>C), located in coding exon 25 of the SCN1A gene, results from a T to C substitution at nucleotide position 4847. The isoleucine at codon 1616 is replaced by threonine, an amino acid with similar properties. In one study, this alteration was detected as mosaic in an asymptomatic father and heterozygous in his two children with partial epilepsy with antecedent febrile seizures (PEFS+) (Shi YW et al. Genes Brain Behav., 2012 Mar;11:170-6). In a different study, this alteration was detected once in a cohort of individuals with febrile seizures; some of whom met diagnostic criteria for Dravet and some who did not (Hattori J et al. Epilepsia, 2008 Apr;49:626-33). Based on internal structural analysis, this variant is more disruptive than known pathogenic variants (Ambry Internal Data; Yan Z et al. Cell, 2017 Jul;170:470-482.e11).This amino acid position is highly conserved in available vertebrate species. In addition, this alteration is predicted to be deleterious by in silico analysis. Based on the majority of available evidence to date, this variant is likely to be pathogenic.

Literature cited by the submitters: PubMed 18076640 (cited by Labcorp Genetics (formerly Invitae), Labcorp and Ambry Genetics); PubMed 22151702 (cited by Labcorp Genetics (formerly Invitae), Labcorp and Ambry Genetics); PubMed 19585586 (cited by Ambry Genetics); PubMed 25754450 (cited by Ambry Genetics); PubMed 28735751 (cited by Ambry Genetics).